The following is an entry in ClinVar:

ClinVar aggregate classification (germline): Uncertain significance (1 of 4 stars; one submission).

Conditions:
Left ventricular noncompaction 8 (LVNC8). Identifiers: Orphanet 154, Orphanet 54260, MedGen C3809288, MONDO:0014152, OMIM 615373.

gnomAD v4.1: 5 of 1,613,838 alleles (0.00031%); highest among the groups gnomAD compares: East Asian, 0.0067%; no homozygotes.

Submission:

Labcorp Genetics (formerly Invitae), Labcorp
Classification: Uncertain significance for Left ventricular noncompaction 8. Last evaluated: 2025-04-24. Review status: criteria provided, single submitter. Criteria: Invitae Variant Classification Sherloc (09022015). Collection method: clinical testing. Allele origin: germline.
Comment: This sequence change replaces serine, which is neutral and polar, with phenylalanine, which is neutral and non-polar, at codon 1071 of the PRDM16 protein (p.Ser1071Phe). This variant is present in population databases (rs751178142, gnomAD 0.02%). This variant has not been reported in the literature in individuals affected with PRDM16-related conditions. An algorithm developed to predict the effect of missense changes on protein structure and function (PolyPhen-2) suggests that this variant is likely to be disruptive. In summary, the available evidence is currently insufficient to determine the role of this variant in disease. Therefore, it has been classified as a Variant of Uncertain Significance.

NM_022114.4(PRDM16):c.3212C>T (p.Ser1071Phe)

Gene: PRDM16 (PR/SET domain 16; plus strand). Cytogenetic location: 1p36.32.
Variant type: single nucleotide variant.
Coding change: c.3212C>T on transcript NM_022114.4 (MANE Select); coding-DNA position 3212, C replaced by T.
Protein change: p.Ser1071Phe; replaces serine 1071 with phenylalanine.
Molecular consequence: missense variant.
Genome position (GRCh38, 1-based): chr1:3,426,153, C>T. VCF-style: chr1-3426153-C-T. GRCh37 (hg19) VCF-style: chr1-3342717-C-T.
Other names: c.3212C>T, p.Ser1071Phe (NM_199454.3); short protein forms S1071F.
Identifiers: ClinVar variation 4743659 (VCV004743659.1).